The following is an entry in ClinVar:

ClinVar aggregate classification (germline): Conflicting classifications of pathogenicity. Review status: criteria provided, conflicting classifications (1 of 4 stars). 3 submissions from 3 submitters: Uncertain significance (1); Likely benign (2). Last evaluated 2025-04-09.

Conditions:
Cardiomyopathy (CMYO). Also called: Cardiomyopathies. Identifiers: Orphanet 167848, MedGen C0878544, MONDO:0004994, HP:0001638. Inheritance: Various modes of inheritance.

Submissions (3):

Molecular Diagnostic Laboratory for Inherited Cardiovascular Disease, Montreal Heart Institute
Classification: Likely benign. Last evaluated: 2025-04-09. Review status: criteria provided, single submitter. Criteria: ACMG Guidelines, 2015. Collection method: clinical testing. Allele origin: germline. Affected: no.

CHEO Genetics Diagnostic Laboratory, Children's Hospital of Eastern Ontario
Classification: Uncertain significance for Cardiomyopathy. Last evaluated: 2021-11-03. Review status: criteria provided, single submitter. Criteria: ACMG Guidelines, 2015. Collection method: clinical testing. Allele origin: germline.

GeneDx
Classification: Likely benign. Last evaluated: 2017-06-27. Review status: criteria provided, single submitter. Criteria: GeneDx Variant Classification (06012015). Collection method: clinical testing. Allele origin: germline. Affected: yes.
Comment: This variant is considered likely benign or benign based on one or more of the following criteria: it is a conservative change, it occurs at a poorly conserved position in the protein, it is predicted to be benign by multiple in silico algorithms, and/or has population frequency not consistent with disease.

NM_014000.3(VCL):c.169-10delinsTG

Gene: VCL (vinculin; plus strand). Cytogenetic location: 10q22.2.
Variant type: Indel.
Coding change: c.169-10delinsTG on transcript NM_014000.3 (MANE Select); 10 bases into the intron before coding-DNA position 169, C replaced by TG.
Molecular consequence: intron variant.
Genome position (GRCh38, 1-based): chr10:74,043,073, C replaced by TG. VCF-style: chr10-74043073-C-TG. GRCh37 (hg19) VCF-style: chr10-75802831-C-TG.
Other names: c.169-10delinsTG (NM_003373.4, NM_014000.2); c.169-10delCinsTG (NM_014000.2).
Identifiers: ClinVar variation 510503 (VCV000510503.4), dbSNP rs1554814892, ClinGen allele CA658797441.